The following is an entry in ClinVar:

NM_031407.7(HUWE1):c.647C>T (p.Thr216Ile)

Gene: HUWE1 (HECT, UBA and WWE domain containing E3 ubiquitin protein ligase 1; minus strand). Cytogenetic location: Xp11.22.
Variant type: single nucleotide variant.
Coding change: c.647C>T on transcript NM_031407.7 (MANE Select); coding-DNA position 647, C replaced by T.
Protein change: p.Thr216Ile; replaces threonine 216 with isoleucine.
Molecular consequence: missense variant.
Genome position (GRCh38, 1-based): chrX:53,631,613, G>A on the plus strand (C>T on the coding strand, the complement: HUWE1 is on the minus strand). VCF-style: chrX-53631613-G-A. GRCh37 (hg19) VCF-style: chrX-53658565-G-A.
Other names: short protein forms T216I.
Identifiers: ClinVar variation 946607 (VCV000946607.11), dbSNP rs2066881864, ClinGen allele CA413161345.

ClinVar aggregate classification (germline): Likely pathogenic. Review status: criteria provided, multiple submitters, no conflicts (2 of 4 stars). 2 submissions from 2 submitters: Likely pathogenic (2). Last evaluated 2019-12-24.

Conditions:
Intellectual disability. Also called: Intellectual functioning disability; Intellectual developmental disorder; intellectual disabilities. Identifiers: MedGen C3714756, MeSH D008607, MONDO:0001071, HP:0001249.

Submissions (2):

Center for Pediatric Genomic Medicine, Children's Mercy Hospital and Clinics
Classification: Likely pathogenic for Intellectual disability. Last evaluated: 2019-12-24. Review status: criteria provided, single submitter. Criteria: ACMG Guidelines, 2015. Collection method: clinical testing. Allele origin: germline. Affected: yes.

Labcorp Genetics (formerly Invitae), Labcorp
Classification: Likely pathogenic. Last evaluated: 2019-04-17. Review status: criteria provided, single submitter. Criteria: Invitae Variant Classification Sherloc (09022015). Collection method: clinical testing. Allele origin: germline.
Comment: This sequence change replaces threonine with isoleucine at codon 216 of the HUWE1 protein (p.Thr216Ile). The threonine residue is moderately conserved and there is a moderate physicochemical difference between threonine and isoleucine. This variant is not present in population databases (ExAC no frequency). Algorithms developed to predict the effect of missense changes on protein structure and function are either unavailable or do not agree on the potential impact of this missense change (SIFT: "Deleterious"; PolyPhen-2: "Possibly Damaging"; Align-GVGD: "Class C0"). In summary, the currently available evidence indicates that the variant is pathogenic, but additional data are needed to prove that conclusively. Therefore, this variant has been classified as Likely Pathogenic.